The following is an entry in ClinVar:

ClinVar aggregate classification (germline): Pathogenic (1 of 4 stars; one submission).

Conditions:
Hereditary cancer-predisposing syndrome. Also called: Hereditary Cancer Syndrome; Hereditary neoplastic syndrome; Tumor predisposition; Neoplastic Syndromes, Hereditary. Identifiers: Orphanet 140162, MedGen C0027672, MeSH D009386, MONDO:0015356.

Submission:

Ambry Genetics
Classification: Pathogenic for Hereditary cancer-predisposing syndrome. Last evaluated: 2017-07-25. Review status: criteria provided, single submitter. Criteria: Ambry Variant Classification Scheme 2023. Collection method: clinical testing. Allele origin: germline.
Comment: The c.2418delC pathogenic mutation, located in coding exon 4 of the MSH6 gene, results from a deletion of one nucleotide at nucleotide position 2418, causing a translational frameshift with a predicted alternate stop codon (p.E807Kfs*3). This alteration is expected to result in loss of function by premature protein truncation or nonsense-mediated mRNA decay. As such, this alteration is interpreted as a disease-causing mutation.

NM_000179.3(MSH6):c.2418del (p.Glu807fs)

Gene: MSH6 (mutS homolog 6; plus strand). Cytogenetic location: 2p16.3.
Variant type: Deletion.
Coding change: c.2418del on transcript NM_000179.3 (MANE Select); coding-DNA position 2418, one base deleted (C; older notation c.2418delC).
Protein change: p.Glu807fs; shifts the reading frame from glutamic acid 807.
Molecular consequence: frameshift variant.
Genome position (GRCh38, 1-based): chr2:47,800,401, C deleted; the last of 2 consecutive C bases (chr2:47,800,400-47,800,401); deleting either gives the same sequence. VCF-style (leftmost placement, unchanged base first): chr2-47800399-TC-T. GRCh37 (hg19) VCF-style: chr2-48027538-TC-T.
Other names: c.2028del, p.Glu677fs (NM_001281492.2); c.1512del, p.Glu505fs (NM_001281493.2, NM_001281494.2); c.2514delC, p.Glu839Lysfs (NM_001406795.1, NM_001406802.1); c.2418delC, p.Glu807Lysfs (NM_001406796.1, NM_001406798.1, NM_001406800.1 and 2 more transcripts); c.2121delC, p.Glu708Lysfs (NM_001406797.1, NM_001406801.1, NM_001406805.1 and 10 more transcripts); c.1893delC, p.Glu632Lysfs (NM_001406799.1, NM_001406806.1, NM_001406807.1); c.2340delC, p.Glu781Lysfs (NM_001406804.1); c.1512delC, p.Glu505Lysfs (NM_001406811.1, NM_001406812.1, NM_001406814.1 and 4 more transcripts); and 2 more; short protein forms E677fs, E505fs, E807fs.
Identifiers: ClinVar variation 1790967 (VCV001790967.2), dbSNP rs2530671097, ClinGen allele CA2580067905.